The following is an entry in ClinVar:

ClinVar aggregate classification (germline): Pathogenic (1 of 4 stars; one submission).

Conditions:
Retinoblastoma (RB1). Also called: RETINOBLASTOMA, SOMATIC. Identifiers: Orphanet 790, MedGen C0035335, MeSH D012175, MONDO:0008380, OMIM 180200, HP:0009919. Disease mechanism: loss of function. Inheritance: Both sporadic and heritable forms are tested..

Submission:

Genetic Diagnostic Laboratory, University of Pennsylvania School of Medicine
Classification: Pathogenic for Retinoblastoma. Last evaluated: 2024-05-20. Review status: criteria provided, single submitter. Criteria: ACMG Guidelines, 2015. Collection method: clinical testing. Allele origin: germline. Affected: yes. Observed: 1 variant allele.
Comment: Case and Pedigree Information: BILATERAL CASES:1, UNILATERAL CASES:0, TOTAL CASES:1, PEDIGREES:1. ACMG Codes Applied:PVS1, PM2

NM_000321.3(RB1):c.2253del (p.Ile752fs)

Gene: RB1 (RB transcriptional corepressor 1; plus strand). Cytogenetic location: 13q14.2.
Variant type: Deletion.
Coding change: c.2253del on transcript NM_000321.3 (MANE Select); coding-DNA position 2253, one base deleted (T; older notation c.2253delT).
Protein change: p.Ile752fs; shifts the reading frame from isoleucine 752.
Molecular consequence: frameshift variant.
Genome position (GRCh38, 1-based): chr13:48,465,039, T deleted. VCF-style (leftmost placement, unchanged base first): chr13-48465038-CT-C. GRCh37 (hg19) VCF-style: chr13-49039174-CT-C.
Other names: c.2253del, p.Ile752fs (NM_001407165.1); short protein forms I752fs.
Identifiers: ClinVar variation 3237081 (VCV003237081.1), dbSNP rs2542375244.
Genomic context (GRCh38, chr13:48,465,038, plus strand): 5'-TTTTTACTGTTCTTCCTCAGACATTCAAACGTGTTTTGATCAAAGAAGAGGAGTATGATT[CT>C]ATTATAGTATTCTATAACTCGGTCTTCATGCAGAGACTGAAAACAAATATTTTGCAGTAT-3'